The following is an entry in ClinVar:

ClinVar aggregate classification (germline): Uncertain significance (1 of 4 stars; one submission).

Conditions:
Hereditary cancer-predisposing syndrome. Also called: Tumor predisposition; Neoplastic Syndromes, Hereditary; Hereditary neoplastic syndrome; Hereditary Cancer Syndrome. Identifiers: Orphanet 140162, MedGen C0027672, MeSH D009386, MONDO:0015356.

Submission:

Ambry Genetics
Classification: Uncertain significance for Hereditary cancer-predisposing syndrome. Last evaluated: 2025-08-04. Review status: criteria provided, single submitter. Criteria: Ambry Variant Classification Scheme 2023. Collection method: clinical testing. Allele origin: germline.
Comment: The p.Q15H variant (also known as c.45A>T), located in coding exon 2 of the MAX gene, results from an A to T substitution at nucleotide position 45. The glutamine at codon 15 is replaced by histidine, an amino acid with highly similar properties. This amino acid position is conserved. In addition, the in silico prediction for this alteration is inconclusive. Based on the available evidence, the clinical significance of this variant remains unclear.

NM_002382.5(MAX):c.45A>T (p.Gln15His)

Gene: MAX (MYC associated transcriptional regulator X; minus strand). Cytogenetic location: 14q23.3.
Variant type: single nucleotide variant.
Coding change: c.45A>T on transcript NM_002382.5 (MANE Select); coding-DNA position 45, A replaced by T.
Protein change: p.Gln15His; replaces glutamine 15 with histidine.
Molecular consequence: missense variant. On other transcripts: 5 prime UTR variant (4), non-coding transcript variant (7), intron variant (14).
Genome position (GRCh38, 1-based): chr14:65,101,564, T>A on the plus strand (A>T on the coding strand, the complement: MAX is on the minus strand). VCF-style: chr14-65101564-T-A. GRCh37 (hg19) VCF-style: chr14-65568282-T-A.
Other names: c.-230A>T (NM_001320415.2, NM_001407105.1, NM_001407106.1); c.45A>T, p.Gln15His (NM_001407094.1, NM_001407096.1, NM_001407097.1 and 6 more transcripts); c.-323A>T (NM_001407111.1); c.68A>T, p.Asn23Ile (NM_001407114.1); c.36+740A>T (NM_001271069.2, NM_001407095.1, NM_001407110.1 and 9 more transcripts); c.-305+945A>T (NM_001407112.1); c.-212+740A>T (NM_001407107.1); short protein forms N23I, Q15H.
Identifiers: ClinVar variation 4104531 (VCV004104531.1).